The following is an entry in ClinVar:

NM_000136.3(FANCC):c.250+16G>A

Gene: FANCC (FA complementation group C; minus strand). Cytogenetic location: 9q22.32.
Variant type: single nucleotide variant.
Coding change: c.250+16G>A on transcript NM_000136.3 (MANE Select); 16 bases into the intron after coding-DNA position 250, G replaced by A.
Molecular consequence: intron variant.
Genome position (GRCh38, 1-based): chr9:95,247,416, C>T on the plus strand (G>A on the coding strand, the complement: FANCC is on the minus strand). VCF-style: chr9-95247416-C-T. GRCh37 (hg19) VCF-style: chr9-98009698-C-T.
Other names: c.250+16G>A (NM_001243743.2, NM_001243744.2).
Identifiers: ClinVar variation 383579 (VCV000383579.10), dbSNP rs371993188, ClinGen allele CA5137799.

ClinVar aggregate classification (germline): Likely benign. Review status: criteria provided, multiple submitters, no conflicts (2 of 4 stars). 4 submissions from 4 submitters: Likely benign (4). Last evaluated 2026-01-16.

Conditions:
Fanconi anemia complementation group C (FANCC). Also called: Fanconi anemia, group C; FANCONI PANCYTOPENIA, TYPE 3; FACC; FANCC-Related Fanconi Anemia. Identifiers: Orphanet 84, MedGen C3468041, MONDO:0009213, OMIM 227645.
Fanconi anemia (FA). Also called: Fanconi's anemia. Identifiers: Orphanet 84, MedGen C0015625, MeSH D005199, MONDO:0019391.

Allele frequency attached by ClinVar (database versions not stated): gnomAD exomes 0.00001 and 0.00003; ExAC 0.00003; gnomAD 0.00011 and 0.00015; TOPMed 0.00011; ESP Exome Variant Server 0.00023.
gnomAD v4.1: 43 of 1,588,030 alleles (0.0027%); highest among the groups gnomAD compares: African/African-American, 0.036%; no homozygotes.

Submissions (4):

Labcorp Genetics (formerly Invitae), Labcorp
Classification: Likely benign for Fanconi anemia. Last evaluated: 2026-01-16. Review status: criteria provided, single submitter. Criteria: Invitae Variant Classification Sherloc (09022015). Collection method: clinical testing. Allele origin: germline.

Fulgent Genetics
Classification: Likely benign for Fanconi anemia complementation group C. Last evaluated: 2022-03-12. Review status: criteria provided, single submitter. Criteria: ACMG Guidelines, 2015. Collection method: clinical testing. Allele origin: unknown.

Blueprint Genetics
Classification: Likely benign. Last evaluated: 2021-09-16. Review status: criteria provided, single submitter. Criteria: ACMG Guidelines, 2015. Collection method: clinical testing. Allele origin: germline.

GeneDx
Classification: Likely benign. Last evaluated: 2017-03-16. Review status: criteria provided, single submitter. Criteria: GeneDx Variant Classification (06012015). Collection method: clinical testing. Allele origin: germline. Affected: yes.
Comment: This variant is considered likely benign or benign based on one or more of the following criteria: it is a conservative change, it occurs at a poorly conserved position in the protein, it is predicted to be benign by multiple in silico algorithms, and/or has population frequency not consistent with disease.